The following is an entry in ClinVar:

ClinVar aggregate classification (germline): Pathogenic (1 of 4 stars; one submission).

Submission:

Labcorp Genetics (formerly Invitae), Labcorp
Classification: Pathogenic. Last evaluated: 2021-11-27. Review status: criteria provided, single submitter. Criteria: Invitae Variant Classification Sherloc (09022015). Collection method: clinical testing. Allele origin: germline.
Comment: This variant is not present in population databases (gnomAD no frequency). For these reasons, this variant has been classified as Pathogenic. This variant has not been reported in the literature in individuals affected with KISS1R-related conditions. This sequence change creates a premature translational stop signal (p.Tyr207*) in the KISS1R gene. It is expected to result in an absent or disrupted protein product. Loss-of-function variants in KISS1R are known to be pathogenic (PMID: 20371656, 22619348).

Literature cited by the submitters: PubMed 20371656; PubMed 22619348.

NM_032551.5(KISS1R):c.621del (p.Leu206_Tyr207insTer)

Gene: KISS1R (KISS1 receptor; plus strand). Cytogenetic location: 19p13.3.
Variant type: Deletion.
Coding change: c.621del on transcript NM_032551.5 (MANE Select); coding-DNA position 621, one base deleted (C; older notation c.621delC).
Protein change: p.Leu206_Tyr207insTer.
Molecular consequence: nonsense.
Genome position (GRCh38, 1-based): chr19:919,989, C deleted. VCF-style (leftmost placement, unchanged base first): chr19-919988-AC-A. GRCh37 (hg19) VCF-style: chr19-919988-AC-A.
Identifiers: ClinVar variation 1434808 (VCV001434808.6), dbSNP rs2145320709, ClinGen allele CA2573155834.